The following is an entry in ClinVar:

ClinVar aggregate classification (germline): Pathogenic (0 of 4 stars; one submission).

Conditions:
Fanconi anemia (FA). Also called: Fanconi's anemia. Identifiers: Orphanet 84, MedGen C0015625, MeSH D005199, MONDO:0019391.

Submission:

Molecular Genetics and Enzymology, National Research Centre
Classification: Pathogenic for Fanconi anemia. Last evaluated: 2017-02-01. Review status: no assertion criteria provided. Collection method: research. Allele origin: germline. Affected: yes. Observed: 2 variant alleles.
Comment: this mutaton is asociated with severe Fanconi anemia patient

NG_011706.1:g.13291_71928del

Genes: FANCA (FA complementation group A; minus strand), LOC130059838 (ATAC-STARR-seq lymphoblastoid active region 11421; plus strand), LOC130059837 (ATAC-STARR-seq lymphoblastoid active region 11420; plus strand). Cytogenetic location: 16q24.3.
Variant type: Deletion.
Identifiers: ClinVar variation 632555 (VCV000632555.2).